The following is an entry in ClinVar:

ClinVar aggregate classification (germline): Pathogenic/Likely pathogenic. Review status: criteria provided, multiple submitters, no conflicts (2 of 4 stars). 2 submissions from 2 submitters: Pathogenic (1); Likely pathogenic (1). Last evaluated 2026-07-10.

Conditions:
Fetal anomalies with a likely genetic cause.
INPP5E-related disorder. Also called: INPP5E-related condition.

gnomAD v4.1: 1 of 1,602,474 alleles (0.000062%); highest among the groups gnomAD compares: Non-Finnish European, 0.000085%; no homozygotes.

Submissions (2):

Genetics Laboratory, Great Ormond Street Hospital NHS Foundation Trust, North Thames Genomic Laboratory Hub
Classification: Pathogenic for Fetal anomalies with a likely genetic cause. Last evaluated: 2026-07-10. Review status: criteria provided, single submitter. Criteria: ACGS Best Practice Guidelines for Variant Classification in Rare Disease 2024 v1.2. Collection method: clinical testing. Allele origin: germline. Affected: yes.
Comment: PM2_moderate, PVS1_very-strong

Blueprint Genetics
Classification: Likely pathogenic for INPP5E-related disorders. Last evaluated: 2020-12-16. Review status: criteria provided, single submitter. Criteria: ACMG Guidelines, 2015. Collection method: clinical testing. Allele origin: germline. Affected: yes. Observed: 1 variant allele.

NM_019892.6(INPP5E):c.937-2A>G

Gene: INPP5E (inositol polyphosphate-5-phosphatase E; minus strand). Cytogenetic location: 9q34.3.
Variant type: single nucleotide variant.
Coding change: c.937-2A>G on transcript NM_019892.6 (MANE Select); the canonical splice acceptor site of the intron before coding-DNA position 937, A replaced by G.
Molecular consequence: splice acceptor variant.
Genome position (GRCh38, 1-based): chr9:136,434,136, T>C on the plus strand (A>G on the coding strand, the complement: INPP5E is on the minus strand). VCF-style: chr9-136434136-T-C. GRCh37 (hg19) VCF-style: chr9-139328588-T-C.
Other names: c.937-2A>G (NM_001318502.2).
Identifiers: ClinVar variation 4888011 (VCV004888011.2).